The following is an entry in ClinVar:

ClinVar aggregate classification (germline): Uncertain significance (1 of 4 stars; one submission).

Conditions:
Baller-Gerold syndrome (BGS). Also called: CRANIOSYNOSTOSIS WITH RADIAL DEFECTS. Identifiers: Orphanet 1225, MedGen C0265308, MONDO:0009039, OMIM 218600.

gnomAD v4.1: 1 of 1,612,534 alleles (0.000062%); highest among the groups gnomAD compares: Non-Finnish European, 0.000085%; no homozygotes.

Submission:

Labcorp Genetics (formerly Invitae), Labcorp
Classification: Uncertain significance for Baller-Gerold syndrome. Last evaluated: 2018-10-29. Review status: criteria provided, single submitter. Criteria: Invitae Variant Classification Sherloc (09022015). Collection method: clinical testing. Allele origin: germline.
Comment: This sequence change replaces glutamic acid with aspartic acid at codon 1202 of the RECQL4 protein (p.Glu1202Asp). The glutamic acid residue is highly conserved and there is a small physicochemical difference between glutamic acid and aspartic acid. In summary, the available evidence is currently insufficient to determine the role of this variant in disease. Therefore, it has been classified as a Variant of Uncertain Significance. Algorithms developed to predict the effect of missense changes on protein structure and function (SIFT, PolyPhen-2, Align-GVGD) all suggest that this variant is likely to be disruptive, but these predictions have not been confirmed by published functional studies and their clinical significance is uncertain. This variant has not been reported in the literature in individuals with RECQL4-related disease. This variant is not present in population databases (ExAC no frequency).

NM_004260.4(RECQL4):c.3606G>C (p.Glu1202Asp)

Gene: RECQL4 (RecQ like helicase 4; minus strand). Cytogenetic location: 8q24.3.
Variant type: single nucleotide variant.
Coding change: c.3606G>C on transcript NM_004260.4 (MANE Select); coding-DNA position 3606, G replaced by C.
Protein change: p.Glu1202Asp; replaces glutamic acid 1202 with aspartic acid.
Molecular consequence: missense variant.
Genome position (GRCh38, 1-based): chr8:144,511,452, C>G on the plus strand (G>C on the coding strand, the complement: RECQL4 is on the minus strand). VCF-style: chr8-144511452-C-G. GRCh37 (hg19) VCF-style: chr8-145736835-C-G.
Other names: short protein forms E1202D.
Identifiers: ClinVar variation 656854 (VCV000656854.4), dbSNP rs1259980040, ClinGen allele CA372665619.